The following is an entry in ClinVar:

NM_001244008.2(KIF1A):c.3397G>A (p.Ala1133Thr)

Gene: KIF1A (kinesin family member 1A; minus strand). Cytogenetic location: 2q37.3.
Variant type: single nucleotide variant.
Coding change: c.3397G>A on transcript NM_001244008.2 (MANE Select); coding-DNA position 3397, G replaced by A.
Protein change: p.Ala1133Thr; replaces alanine 1133 with threonine.
Molecular consequence: missense variant.
Genome position (GRCh38, 1-based): chr2:240,745,495, C>T on the plus strand (G>A on the coding strand, the complement: KIF1A is on the minus strand). VCF-style: chr2-240745495-C-T. GRCh37 (hg19) VCF-style: chr2-241684912-C-T.
Other names: c.3121G>A, p.Ala1041Thr (NM_001320705.2, NM_001330289.2, NM_001379638.1); c.3196G>A, p.Ala1066Thr (NM_001330290.2, NM_001379634.1, NM_001379635.1 and 1 more transcripts); c.3472G>A, p.Ala1158Thr (NM_001379631.1); c.3346G>A, p.Ala1116Thr (NM_001379632.1); c.3370G>A, p.Ala1124Thr (NM_001379633.1, NM_001379642.1, NM_001379645.1); c.3094G>A, p.Ala1032Thr (NM_001379636.1, NM_001379639.1, NM_001379641.1 and 6 more transcripts); c.3169G>A, p.Ala1057Thr (NM_001379637.1, NM_001379648.1); c.3091G>A, p.Ala1031Thr (NM_001379640.1); short protein forms A1133T, A1041T, A1116T, A1031T, A1057T, A1124T, A1032T, A1066T.
Identifiers: ClinVar variation 3114578 (VCV003114578.3), dbSNP rs1419048484, ClinGen allele CA351317511.

ClinVar aggregate classification (germline): Uncertain significance. Review status: criteria provided, multiple submitters, no conflicts (2 of 4 stars). 2 submissions from 2 submitters: Uncertain significance (2). Last evaluated 2024-10-31.

Conditions:
Hereditary spastic paraplegia 30. Identifiers: Orphanet 101010, MedGen C5235139, MONDO:0012476.
Neuropathy, hereditary sensory, type 2C. Also called: Hereditary sensory and autonomic neuropathy type IIC; KIF1A-Related HSAN2 (HSAN2C). Identifiers: Orphanet 970, MedGen C3280168, MONDO:0013634, OMIM 614213.
Intellectual disability, autosomal dominant 9 (NESCAVS). Also called: KIF1A-Related Neurodevelopmental Disorder; NESCAV SYNDROME. Identifiers: Orphanet 662367, MedGen C5393830, MONDO:0013656, OMIM 614255.
Inborn genetic diseases. Identifiers: MedGen C0950123, MeSH D030342.

Submissions (2):

Labcorp Genetics (formerly Invitae), Labcorp
Classification: Uncertain significance for Hereditary spastic paraplegia 30; Neuropathy, hereditary sensory, type 2C; Intellectual disability, autosomal dominant 9. Last evaluated: 2024-10-31. Review status: criteria provided, single submitter. Criteria: Invitae Variant Classification Sherloc (09022015). Collection method: clinical testing. Allele origin: germline.
Comment: This sequence change replaces alanine, which is neutral and non-polar, with threonine, which is neutral and polar, at codon 1032 of the KIF1A protein (p.Ala1032Thr). This variant is not present in population databases (gnomAD no frequency). This variant has not been reported in the literature in individuals affected with KIF1A-related conditions. ClinVar contains an entry for this variant (Variation ID: 3114578). Invitae Evidence Modeling of protein sequence and biophysical properties (such as structural, functional, and spatial information, amino acid conservation, physicochemical variation, residue mobility, and thermodynamic stability) indicates that this missense variant is not expected to disrupt KIF1A protein function with a negative predictive value of 95%. In summary, the available evidence is currently insufficient to determine the role of this variant in disease. Therefore, it has been classified as a Variant of Uncertain Significance.

Ambry Genetics
Classification: Uncertain significance for Inborn genetic diseases. Last evaluated: 2023-12-01. Review status: criteria provided, single submitter. Criteria: Ambry Variant Classification Scheme 2023. Collection method: clinical testing. Allele origin: germline.
Comment: Hereditary sensory neuropathy type IIC does not currently meet published gene-disease clinical validity criteria for this gene (Smith, 2017) Based on insufficient or conflicting evidence, the clinical significance of this alteration remains unclear.

Literature cited by the submitters: PubMed 28106320 (cited by Ambry Genetics).